The following is an entry in ClinVar:

ClinVar aggregate classification (germline): Uncertain significance (1 of 4 stars; one submission).

Conditions:
Familial melanoma. Also called: Hereditary melanoma; Hereditary cutaneous melanoma. Identifiers: Orphanet 618, MedGen C1512419, MONDO:0018961.

Submission:

Labcorp Genetics (formerly Invitae), Labcorp
Classification: Uncertain significance for Familial melanoma. Last evaluated: 2020-06-08. Review status: criteria provided, single submitter. Criteria: Invitae Variant Classification Sherloc (09022015). Collection method: clinical testing. Allele origin: germline.
Comment: This variant is not present in population databases (ExAC no frequency). This sequence change replaces alanine with threonine at codon 20 of the CDKN2A (p16INK4a) protein (p.Ala20Thr). The alanine residue is weakly conserved and there is a small physicochemical difference between alanine and threonine. This variant has not been reported in the literature in individuals with CDKN2A (p16INK4a)-related conditions. Algorithms developed to predict the effect of missense changes on protein structure and function are either unavailable or do not agree on the potential impact of this missense change (SIFT: "Tolerated"; PolyPhen-2: "Possibly Damaging"; Align-GVGD: "Class C0"). In summary, the available evidence is currently insufficient to determine the role of this variant in disease. Therefore, it has been classified as a Variant of Uncertain Significance.

NM_000077.5(CDKN2A):c.58G>A (p.Ala20Thr)

Gene: CDKN2A (cyclin dependent kinase inhibitor 2A; minus strand). Cytogenetic location: 9p21.3.
Variant type: single nucleotide variant.
Coding change: c.58G>A on transcript NM_000077.5; coding-DNA position 58, G replaced by A.
Protein change: p.Ala20Thr; replaces alanine 20 with threonine.
Molecular consequence: missense variant (on NM_000077.6). On other transcripts: intron variant (2).
Genome position (GRCh38, 1-based): chr9:21,974,770, C>T on the plus strand (G>A on the coding strand, the complement: CDKN2A is on the minus strand). VCF-style: chr9-21974770-C-T. GRCh37 (hg19) VCF-style: chr9-21974769-C-T.
Other names: c.58G>A, p.Ala20Thr (NM_000077.6, NM_001195132.2, NM_058197.5); c.-3-3562G>A (NM_001363763.2); c.194-3562G>A (NM_058195.4); short protein forms A20T.
Identifiers: ClinVar variation 1062691 (VCV001062691.9), dbSNP rs760065045, ClinGen allele CA373086635.